The following is an entry in ClinVar:

NM_000182.5(HADHA):c.474C>T (p.Tyr158=)

Gene: HADHA (hydroxyacyl-CoA dehydrogenase trifunctional multienzyme complex subunit alpha; minus strand). Cytogenetic location: 2p23.3.
Variant type: single nucleotide variant.
Coding change: c.474C>T on transcript NM_000182.5 (MANE Select); coding-DNA position 474, C replaced by T.
Protein change: p.Tyr158=; no amino-acid change (tyrosine 158 retained).
Molecular consequence: synonymous variant.
Genome position (GRCh38, 1-based): chr2:26,232,259, G>A on the plus strand (C>T on the coding strand, the complement: HADHA is on the minus strand). VCF-style: chr2-26232259-G-A. GRCh37 (hg19) VCF-style: chr2-26455127-G-A.
Other names: p.Y158Y:TAC>TAT; p.Tyr158=.
Identifiers: ClinVar variation 92596 (VCV000092596.24), dbSNP rs11552518, ClinGen allele CA285332.
Genomic context (GRCh38, chr2:26,232,259, plus strand): 5'-GGCCCCCAGCAAAACTTCAGGGGTACCTAATACTGTTTTTCTGTCTTTTGTTGCTATTCT[G>A]TATTGGCATGAAATGGCAACCTTTGAACAAATGAAAGAAAATTAGAATGTTAGAAAATGT-3'
Protein context (NP_000173.2, residues 148-168): GGLEVAISCQ[Tyr158=]RIATKDRKTV

ClinVar aggregate classification (germline): Benign. Review status: criteria provided, multiple submitters, no conflicts (2 of 4 stars). 10 submissions from 9 submitters: Benign (9). 1 of the submissions does not count toward it. Last evaluated 2026-02-04.

Conditions:
Long chain 3-hydroxyacyl-CoA dehydrogenase deficiency. Also called: Deficiency of long-chain 3-hydroxyacyl-coenzyme A dehydrogenase; LCHAD Deficiency. Identifiers: Orphanet 5, MedGen C3711645, MONDO:0012173, OMIM 609016.
Mitochondrial trifunctional protein deficiency. Identifiers: Orphanet 746, MedGen C1969443, MONDO:0012172.

Allele frequency attached by ClinVar (database versions not stated): 1000 Genomes Project 30x 0.13898; 1000 Genomes Project 0.14237; TOPMed 0.15858; ESP Exome Variant Server 0.16139; gnomAD 0.16973 and 0.17163; gnomAD exomes 0.20206 and 0.20901; ExAC 0.20391.
gnomAD v4.1: 318,178 of 1,596,286 alleles (20%); highest among the groups gnomAD compares: Middle Eastern, 26%; 34,005 homozygotes.

Submissions (10):

Labcorp Genetics (formerly Invitae), Labcorp
Classification: Benign for Mitochondrial trifunctional protein deficiency; Long chain 3-hydroxyacyl-CoA dehydrogenase deficiency. Last evaluated: 2026-02-04. Review status: criteria provided, single submitter. Criteria: Invitae Variant Classification Sherloc (09022015). Collection method: clinical testing. Allele origin: germline.

Blueprint Genetics
Classification: Benign. Last evaluated: 2024-11-26. Review status: criteria provided, single submitter. Criteria: ACMG Guidelines, 2015. Collection method: clinical testing. Allele origin: germline.

Mayo Clinic Laboratories, Mayo Clinic
Classification: Benign. Last evaluated: 2022-05-05. Review status: criteria provided, single submitter. Criteria: ACMG Guidelines, 2015. Collection method: clinical testing. Allele origin: germline. Observed: 898 variant alleles.

Genome-Nilou Lab
Classification: Benign for Long chain 3-hydroxyacyl-CoA dehydrogenase deficiency. Last evaluated: 2021-06-10. Review status: criteria provided, single submitter. Criteria: ACMG Guidelines, 2015. Collection method: clinical testing. Allele origin: germline. Affected: no.

Illumina Laboratory Services, Illumina
Classification: Benign for Mitochondrial trifunctional protein deficiency 1. Last evaluated: 2018-01-13. Review status: criteria provided, single submitter. Criteria: ICSL Variant Classification Criteria 13 December 2019. Collection method: clinical testing. Allele origin: germline.
Comment: This variant was observed in the ICSL laboratory as part of a predisposition screen in an ostensibly healthy population. It had not been previously curated by ICSL or reported in the Human Gene Mutation Database (HGMD: prior to June 1st, 2018), and was therefore a candidate for classification through an automated scoring system. Utilizing variant allele frequency, disease prevalence and penetrance estimates, and inheritance mode, an automated score was calculated to assess if this variant is too frequent to cause the disease. Based on the score and internal cut-off values, a variant classified as benign is not then subjected to further curation. The score for this variant resulted in a classification of benign for this disease.

Illumina Laboratory Services, Illumina
Classification: Benign for Long chain 3-hydroxyacyl-CoA dehydrogenase deficiency. Last evaluated: 2018-01-13. Review status: criteria provided, single submitter. Criteria: ICSL Variant Classification Criteria 13 December 2019. Collection method: clinical testing. Allele origin: germline.
Comment: the same text as in the submission from Illumina Laboratory Services, Illumina above.

Eurofins Ntd Llc (ga)
Classification: Benign. Last evaluated: 2016-04-25. Review status: criteria provided, single submitter. Criteria: EGL Classification Definitions 2015. Collection method: clinical testing. Allele origin: germline. Observed: 10 variant alleles, 9 heterozygotes, 1 homozygote.

GeneDx
Classification: Benign. Last evaluated: 2013-08-26. Review status: criteria provided, single submitter. Criteria: GeneDx Variant Classification (06012015). Collection method: clinical testing. Allele origin: germline. Affected: yes.
Comment: This variant is considered likely benign or benign based on one or more of the following criteria: it is a conservative change, it occurs at a poorly conserved position in the protein, it is predicted to be benign by multiple in silico algorithms, and/or has population frequency not consistent with disease.

Breakthrough Genomics
Classification: Benign. Review status: criteria provided, single submitter. Criteria: ACMG Guidelines, 2015. Collection method: not provided. Allele origin: germline. Inheritance: Autosomal recessive inheritance. Affected: yes.

Natera, Inc.
Classification: Benign for Deficiency of long-chain 3-hydroxyacyl-coenzyme A dehydrogenase. Last evaluated: 2020-09-16. Review status: no assertion criteria provided. Collection method: clinical testing. Allele origin: germline. Not counted in ClinVar's aggregate classification.